The following is an entry in ClinVar:

NM_058216.3(RAD51C):c.693A>G (p.Ser231=)

Genes: RAD51C (RAD51 paralog C; plus strand), LOC129390903 (MPRA-validated peak2919 silencer; plus strand). Cytogenetic location: 17q22.
Variant type: single nucleotide variant.
Coding change: c.693A>G on transcript NM_058216.3 (MANE Select); coding-DNA position 693, A replaced by G.
Protein change: p.Ser231=; no amino-acid change (serine 231 retained).
Molecular consequence: synonymous variant. On other transcripts: non-coding transcript variant (1).
Genome position (GRCh38, 1-based): chr17:58,703,317, A>G. VCF-style: chr17-58703317-A-G. GRCh37 (hg19) VCF-style: chr17-56780678-A-G.
Identifiers: ClinVar variation 751657 (VCV000751657.10), dbSNP rs1598473581, ClinGen allele CA501075273.

ClinVar aggregate classification (germline): Benign/Likely benign. Review status: criteria provided, multiple submitters, no conflicts (2 of 4 stars). 2 submissions from 2 submitters: Benign (1); Likely benign (1). Last evaluated 2026-01-22.

Conditions:
Breast-ovarian cancer, familial, susceptibility to, 3. Also called: RAD51C-Related Breast/Ovarian Cancer. Identifiers: Orphanet 145, MedGen C3150659, MONDO:0013253, OMIM 613399.
Fanconi anemia complementation group O. Also called: RAD51C-Related Fanconi Anemia. Identifiers: Orphanet 84, MedGen C3150653, MONDO:0013248, OMIM 613390.

Submissions (2):

Labcorp Genetics (formerly Invitae), Labcorp
Classification: Likely benign for Fanconi anemia complementation group O. Last evaluated: 2026-01-22. Review status: criteria provided, single submitter. Criteria: Invitae Variant Classification Sherloc (09022015). Collection method: clinical testing. Allele origin: germline.

Myriad Genetics, Inc.
Classification: Benign for Breast-ovarian cancer, familial, susceptibility to, 3. Last evaluated: 2025-02-18. Review status: criteria provided, single submitter. Criteria: Myriad Autosomal Dominant, Autosomal Recessive and X-Linked Classification Criteria (2023). Collection method: clinical testing. Allele origin: unknown.
Comment: This variant is considered benign. This variant is a silent/synonymous amino acid change and it is not expected to impact splicing.